The following is an entry in ClinVar:

ClinVar aggregate classification (germline): Likely benign. Review status: criteria provided, multiple submitters, no conflicts (2 of 4 stars). 2 submissions from 2 submitters: Likely benign (2). Last evaluated 2025-02-05.

Conditions:
Developmental and epileptic encephalopathy, 1 (DEE1). Also called: INFANTILE SPASM SYNDROME, X-LINKED 1; Epileptic encephalopathy, early infantile, 1; X-linked infantile spasms; West's syndrome; Tonic spasms with clustering, arrest of psychomotor development and hypsarrhythmia on EEG; X-Linked Infantile Spasm Syndrome. Identifiers: MedGen C3463992, MONDO:0010632, OMIM 308350. Disease mechanism: loss of function.
Intellectual disability, X-linked, with or without seizures, ARX-related. Also called: INTELLECTUAL DEVELOPMENTAL DISORDER, X-LINKED 29; MENTAL RETARDATION, X-LINKED 29; MENTAL RETARDATION, X-LINKED 32; MENTAL RETARDATION, X-LINKED 33; MENTAL RETARDATION, X-LINKED 38; MENTAL RETARDATION, X-LINKED 43. Identifiers: Orphanet 777, MedGen C0796244, MONDO:0010317, OMIM 300419.

Allele frequency attached by ClinVar (database versions not stated): gnomAD exomes below 0.00001; gnomAD 0.00001; TOPMed 0.00002.
gnomAD v4.1: 4 of 839,716 alleles (0.00048%); highest among the groups gnomAD compares: South Asian, 0.0062%; no homozygotes.

Submissions (2):

Labcorp Genetics (formerly Invitae), Labcorp
Classification: Likely benign for Developmental and epileptic encephalopathy, 1; Intellectual disability, X-linked, with or without seizures, ARX-related. Last evaluated: 2025-02-05. Review status: criteria provided, single submitter. Criteria: Invitae Variant Classification Sherloc (09022015). Collection method: clinical testing. Allele origin: germline.

CeGaT Center for Human Genetics Tuebingen
Classification: Likely benign. Last evaluated: 2022-09-01. Review status: criteria provided, single submitter. Criteria: CeGaT Center For Human Genetics Tuebingen Variant Classification Criteria Version 2. Collection method: clinical testing. Allele origin: germline. Affected: yes. Observed: 1 variant allele.
Comment: ARX: BP4, BP7

NM_139058.3(ARX):c.315G>A (p.Ala105=)

Genes: ARX (aristaless related homeobox; minus strand), LOC109610631 (aristaless related homeobox polyalanine expansion region; plus strand). Cytogenetic location: Xp21.3.
Variant type: single nucleotide variant.
Coding change: c.315G>A on transcript NM_139058.3 (MANE Select); coding-DNA position 315, G replaced by A.
Protein change: p.Ala105=; no amino-acid change (alanine 105 retained).
Molecular consequence: synonymous variant.
Genome position (GRCh38, 1-based): chrX:25,013,680, C>T on the plus strand (G>A on the coding strand, the complement: ARX is on the minus strand). VCF-style: chrX-25013680-C-T. GRCh37 (hg19) VCF-style: chrX-25031797-C-T.
Identifiers: ClinVar variation 1085171 (VCV001085171.33), dbSNP rs2048713533, ClinGen allele CA515948076.